The following is an entry in ClinVar:

NM_017986.4(SLC52A1):c.1217C>T (p.Pro406Leu)

Gene: SLC52A1 (solute carrier family 52 member 1; minus strand). Cytogenetic location: 17p13.2.
Variant type: single nucleotide variant.
Coding change: c.1217C>T on transcript NM_017986.4 (MANE Select); coding-DNA position 1217, C replaced by T.
Protein change: p.Pro406Leu; replaces proline 406 with leucine.
Molecular consequence: missense variant.
Genome position (GRCh38, 1-based): chr17:5,033,087, G>A on the plus strand (C>T on the coding strand, the complement: SLC52A1 is on the minus strand). VCF-style: chr17-5033087-G-A. GRCh37 (hg19) VCF-style: chr17-4936382-G-A.
Other names: c.1217C>T, p.Pro406Leu (NM_001104577.2); c.1217C>T (NM_001104577.1); short protein forms P406L.
Identifiers: ClinVar variation 1444916 (VCV001444916.8), dbSNP rs373765126, ClinGen allele CA8319593.

ClinVar aggregate classification (germline): Uncertain significance. Review status: criteria provided, multiple submitters, no conflicts (2 of 4 stars). 2 submissions from 2 submitters: Uncertain significance (2). Last evaluated 2025-12-15.

Conditions:
Vitamin B2 deficiency. Identifiers: MedGen C0035528.

Allele frequency attached by ClinVar (database versions not stated): TOPMed 0.00013; gnomAD 0.00014 and 0.00015; ESP Exome Variant Server 0.00015.

Submissions (2):

Labcorp Genetics (formerly Invitae), Labcorp
Classification: Uncertain significance for Vitamin B2 deficiency. Last evaluated: 2025-12-15. Review status: criteria provided, single submitter. Criteria: Invitae Variant Classification Sherloc (09022015). Collection method: clinical testing. Allele origin: germline.
Comment: This sequence change replaces proline, which is neutral and non-polar, with leucine, which is neutral and non-polar, at codon 406 of the SLC52A1 protein (p.Pro406Leu). This variant is present in population databases (rs373765126, gnomAD 0.02%). This variant has not been reported in the literature in individuals affected with SLC52A1-related conditions. ClinVar contains an entry for this variant (Variation ID: 1444916). Invitae Evidence Modeling of protein sequence and biophysical properties (such as structural, functional, and spatial information, amino acid conservation, physicochemical variation, residue mobility, and thermodynamic stability) indicates that this missense variant is not expected to disrupt SLC52A1 protein function with a negative predictive value of 80%. In summary, the available evidence is currently insufficient to determine the role of this variant in disease. Therefore, it has been classified as a Variant of Uncertain Significance.

Ambry Genetics
Classification: Uncertain significance. Last evaluated: 2025-05-07. Review status: criteria provided, single submitter. Criteria: Ambry Variant Classification Scheme 2023. Collection method: clinical testing. Allele origin: germline.